The following is an entry in ClinVar:

ClinVar aggregate classification (germline): Pathogenic. Review status: criteria provided, single submitter (1 of 4 stars). 2 submissions from 2 submitters: Pathogenic (1). 1 of the submissions does not count toward it. Last evaluated 2025-05-13.

Conditions:
Hereditary cancer-predisposing syndrome. Also called: Tumor predisposition; Hereditary neoplastic syndrome; Neoplastic Syndromes, Hereditary; Hereditary Cancer Syndrome. Identifiers: Orphanet 140162, MedGen C0027672, MeSH D009386, MONDO:0015356.
Hereditary pheochromocytoma and paraganglioma. Also called: Hereditary paragangliomas and pheochromocytomas; Hereditary Paraganglioma-Pheochromocytoma Syndromes; Hereditary pheochromocytoma-paraganglioma. Identifiers: Orphanet 29072, MedGen C4274332, MONDO:0017366.

Allele frequency attached by ClinVar (database versions not stated): gnomAD exomes below 0.00001.
gnomAD v4.1: 1 of 1,593,996 alleles (0.000063%); highest among the groups gnomAD compares: Non-Finnish European, 0.000086%; no homozygotes.

Submissions (2):

Ambry Genetics
Classification: Pathogenic for Hereditary cancer-predisposing syndrome. Last evaluated: 2025-05-13. Review status: criteria provided, single submitter. Criteria: Ambry Variant Classification Scheme 2023. Collection method: clinical testing. Allele origin: germline.
Comment: The p.E176* pathogenic mutation (also known as c.526G>T), located in coding exon 5 of the SDHB gene, results from a G to T substitution at nucleotide position 526. This changes the amino acid from a glutamic acid to a stop codon within coding exon 5. This variant is considered to be rare based on population cohorts in the Genome Aggregation Database (gnomAD). This alteration is expected to result in loss of function by premature protein truncation or nonsense-mediated mRNA decay. As such, this alteration is interpreted as a disease-causing mutation.

Section on Medical Neuroendocrinolgy, National Institutes of Health
Classification: Pathogenic for Hereditary pheochromocytoma and paraganglioma. Review status: no assertion criteria provided. Collection method: research. Allele origin: germline. Affected: yes. Not counted in ClinVar's aggregate classification.

NM_003000.3(SDHB):c.526G>T (p.Glu176Ter)

Gene: SDHB (succinate dehydrogenase complex iron sulfur subunit B; minus strand). Cytogenetic location: 1p36.13.
Variant type: single nucleotide variant.
Coding change: c.526G>T on transcript NM_003000.3 (MANE Select); coding-DNA position 526, G replaced by T.
Protein change: p.Glu176Ter; replaces glutamic acid 176 with a stop codon.
Molecular consequence: nonsense.
Genome position (GRCh38, 1-based): chr1:17,027,763, C>A on the plus strand (G>T on the coding strand, the complement: SDHB is on the minus strand). VCF-style: chr1-17027763-C-A. GRCh37 (hg19) VCF-style: chr1-17354258-C-A.
Other names: short protein forms E176*.
Identifiers: ClinVar variation 201603 (VCV000201603.6), dbSNP rs794728946, ClinGen allele CA015940.
Genomic context (GRCh38, chr1:17,027,763, plus strand): 5'-TTGCAATAAATTCTTCAGATTGAAACAATAAATAGGGACTAATGACCAGTTTCTCACGCT[C>A]TTCTATGGACTGCAGATACTGCTGCTTGCCTTCCTGAGATTCATCCTTCTTCTTCAAATA-3'